The following is an entry in ClinVar:

NM_003597.5(KLF11):c.1298A>G (p.Lys433Arg)

Gene: KLF11 (KLF transcription factor 11; plus strand). Cytogenetic location: 2p25.1.
Variant type: single nucleotide variant.
Coding change: c.1298A>G on transcript NM_003597.5 (MANE Select); coding-DNA position 1298, A replaced by G.
Protein change: p.Lys433Arg; replaces lysine 433 with arginine.
Molecular consequence: missense variant.
Genome position (GRCh38, 1-based): chr2:10,052,266, A>G. VCF-style: chr2-10052266-A-G. GRCh37 (hg19) VCF-style: chr2-10192393-A-G.
Other names: c.1247A>G, p.Lys416Arg (NM_001177716.2, NM_001177718.2); c.1298A>G (NM_003597.4); short protein forms K433R, K416R.
Identifiers: ClinVar variation 2075065 (VCV002075065.5), dbSNP rs767344976, ClinGen allele CA1525748.

ClinVar aggregate classification (germline): Uncertain significance. Review status: criteria provided, single submitter (1 of 4 stars). 2 submissions from 2 submitters: Uncertain significance (1). 1 of the submissions does not count toward it. Last evaluated 2026-01-17.

Conditions:
KLF11-related disorder. Also called: KLF11-related condition.

Allele frequency attached by ClinVar (database versions not stated): TOPMed 0.00004; gnomAD 0.00008; gnomAD exomes 0.00008; ExAC 0.00010.
gnomAD v4.1: 144 of 1,614,212 alleles (0.0089%); highest among the groups gnomAD compares: Middle Eastern, 0.13%; 1 homozygote.

Submissions (2):

Labcorp Genetics (formerly Invitae), Labcorp
Classification: Uncertain significance. Last evaluated: 2026-01-17. Review status: criteria provided, single submitter. Criteria: Invitae Variant Classification Sherloc (09022015). Collection method: clinical testing. Allele origin: germline.
Comment: This sequence change replaces lysine, which is basic and polar, with arginine, which is basic and polar, at codon 433 of the KLF11 protein (p.Lys433Arg). This variant is present in population databases (rs767344976, gnomAD 0.01%). This missense change has been observed in individual(s) with maturity-onset diabetes of the young (PMID: 34458657). ClinVar contains an entry for this variant (Variation ID: 2075065). An algorithm developed to predict the effect of missense changes on protein structure and function (PolyPhen-2) suggests that this variant is likely to be disruptive. In summary, the available evidence is currently insufficient to determine the role of this variant in disease. Therefore, it has been classified as a Variant of Uncertain Significance.

PreventionGenetics, part of Exact Sciences
Classification: Uncertain significance for KLF11-related condition. Last evaluated: 2024-09-19. Review status: no assertion criteria provided. Collection method: clinical testing. Allele origin: germline. Not counted in ClinVar's aggregate classification.
Comment: The KLF11 c.1298A>G variant is predicted to result in the amino acid substitution p.Lys433Arg. This variant has been reported in two individuals with MODY7 and was classified as variant of uncertain significance (Dron et al 2020. PubMed ID: 32041611; Abdel-Karim T et al 2021. PubMed ID: 34458657). This variant is reported in 0.015% of alleles in individuals of European (Non-Finnish) descent in gnomAD. At this time, the clinical significance of this variant is uncertain due to the absence of conclusive functional and genetic evidence.

Literature cited by the submitters: PubMed 34458657 (cited by Labcorp Genetics (formerly Invitae), Labcorp).